The following is an entry in ClinVar:

ClinVar aggregate classification (germline): Uncertain significance (1 of 4 stars; one submission).

Conditions:
GNE myopathy (NM). Also called: MYOPATHY, DISTAL, WITH OR WITHOUT RIMMED VACUOLES; NONAKA DISTAL MYOPATHY; INCLUSION BODY MYOPATHY, HEREDITARY, AUTOSOMAL RECESSIVE; INCLUSION BODY MYOPATHY 2, AUTOSOMAL RECESSIVE; IBM 2; Inclusion body myopathy autosomal recessive. Identifiers: Orphanet 602, MedGen C1853926, MONDO:0011603, OMIM 605820.
Sialuria. Also called: SIALURIA, FRENCH TYPE; Sialic Acid Storage Disease. Identifiers: Orphanet 3166, MedGen C0342853, MONDO:0010028, OMIM 269921.

Allele frequency attached by ClinVar (database versions not stated): gnomAD 0.00001; TOPMed 0.00002.
gnomAD v4.1: 1 of 1,613,442 alleles (0.000062%); highest among the groups gnomAD compares: Admixed American, 0.0017%; no homozygotes.

Submission:

Labcorp Genetics (formerly Invitae), Labcorp
Classification: Uncertain significance for Sialuria; GNE myopathy. Last evaluated: 2025-03-06. Review status: criteria provided, single submitter. Criteria: Invitae Variant Classification Sherloc (09022015). Collection method: clinical testing. Allele origin: germline.
Comment: This sequence change replaces glutamic acid, which is acidic and polar, with aspartic acid, which is acidic and polar, at codon 490 of the GNE protein (p.Glu490Asp). This variant is not present in population databases (gnomAD no frequency). This variant has not been reported in the literature in individuals affected with GNE-related conditions. ClinVar contains an entry for this variant (Variation ID: 2201736). Invitae Evidence Modeling of protein sequence and biophysical properties (such as structural, functional, and spatial information, amino acid conservation, physicochemical variation, residue mobility, and thermodynamic stability) has been performed for this missense variant. However, the output from this modeling did not meet the statistical confidence thresholds required to predict the impact of this variant on GNE protein function. In summary, the available evidence is currently insufficient to determine the role of this variant in disease. Therefore, it has been classified as a Variant of Uncertain Significance.

NM_005476.7(GNE):c.1377A>C (p.Glu459Asp)

Gene: GNE (glucosamine (UDP-N-acetyl)-2-epimerase/N-acetylmannosamine kinase; minus strand). Cytogenetic location: 9p13.3.
Variant type: single nucleotide variant.
Coding change: c.1377A>C on transcript NM_005476.7 (MANE Select); coding-DNA position 1377, A replaced by C.
Protein change: p.Glu459Asp; replaces glutamic acid 459 with aspartic acid.
Molecular consequence: missense variant.
Genome position (GRCh38, 1-based): chr9:36,223,407, T>G on the plus strand (A>C on the coding strand, the complement: GNE is on the minus strand). VCF-style: chr9-36223407-T-G. GRCh37 (hg19) VCF-style: chr9-36223404-T-G.
Other names: c.1470A>C, p.Glu490Asp (NM_001128227.3); c.1377A>C, p.Glu459Asp (NM_001190383.3); c.1047A>C, p.Glu349Asp (NM_001190384.3); c.1200A>C, p.Glu400Asp (NM_001190388.2, NM_001374798.1); c.1224A>C, p.Glu408Asp (NM_001374797.1); short protein forms E400D, E408D, E459D, E490D, E349D.
Identifiers: ClinVar variation 2201736 (VCV002201736.4), dbSNP rs987713836, ClinGen allele CA192843932.